The following is an entry in ClinVar:

NM_003718.5(CDK13):c.1871+6T>C

Gene: CDK13 (cyclin dependent kinase 13; plus strand). Cytogenetic location: 7p14.1.
Variant type: single nucleotide variant.
Coding change: c.1871+6T>C on transcript NM_003718.5 (MANE Select); 6 bases into the intron after coding-DNA position 1871, T replaced by C.
Molecular consequence: intron variant.
Genome position (GRCh38, 1-based): chr7:39,988,264, T>C. VCF-style: chr7-39988264-T-C. GRCh37 (hg19) VCF-style: chr7-40027863-T-C.
Other names: c.1871+6T>C (NM_031267.3).
Identifiers: ClinVar variation 2173219 (VCV002173219.31), dbSNP rs375662121, ClinGen allele CA4228572.

ClinVar aggregate classification (germline): Benign/Likely benign. Review status: criteria provided, multiple submitters, no conflicts (2 of 4 stars). 3 submissions from 3 submitters: Benign (1); Likely benign (2). Last evaluated 2024-10-29.

Conditions:
Inborn genetic diseases. Identifiers: MedGen C0950123, MeSH D030342.

Allele frequency attached by ClinVar (database versions not stated): ESP Exome Variant Server 0.00008; TOPMed 0.00006; gnomAD 0.00005; ExAC 0.00008; gnomAD exomes 0.00011.
gnomAD v4.1: 164 of 1,580,730 alleles (0.01%); highest among the groups gnomAD compares: Non-Finnish European, 0.014%; no homozygotes.

Submissions (4):

Labcorp Genetics (formerly Invitae), Labcorp
Classification: Benign. Last evaluated: 2024-10-29. Review status: criteria provided, single submitter. Criteria: Invitae Variant Classification Sherloc (09022015). Collection method: clinical testing. Allele origin: germline.

CeGaT Center for Human Genetics Tuebingen
Classification: Likely benign. Last evaluated: 2023-08-01. Review status: criteria provided, single submitter. Criteria: CeGaT Center For Human Genetics Tuebingen Variant Classification Criteria Version 2. Collection method: clinical testing. Allele origin: germline. Affected: yes. Observed: 1 variant allele.
Comment: CDK13: BP4, BS2

Ambry Genetics
Classification: Likely benign for Inborn genetic diseases. Last evaluated: 2023-06-13. Review status: criteria provided, single submitter. Criteria: Ambry Variant Classification Scheme 2023. Collection method: clinical testing. Allele origin: germline.

Dr. Peter K. Rogan Lab, Western University
No classification provided (evidence only). Condition: Lung cancer. Review status: no classification provided. Collection method: in vitro. Allele origin: not applicable. Functional consequence: skipped exon. Not counted in ClinVar's aggregate classification.